The following is an entry in ClinVar:

NM_000521.4(HEXB):c.118G>T (p.Ala40Ser)

Gene: HEXB (hexosaminidase subunit beta; plus strand). Cytogenetic location: 5q13.3.
Variant type: single nucleotide variant.
Coding change: c.118G>T on transcript NM_000521.4 (MANE Select); coding-DNA position 118, G replaced by T.
Protein change: p.Ala40Ser; replaces alanine 40 with serine.
Molecular consequence: missense variant. On other transcripts: intron variant (1).
Genome position (GRCh38, 1-based): chr5:74,685,378, G>T. VCF-style: chr5-74685378-G-T. GRCh37 (hg19) VCF-style: chr5-73981203-G-T.
Other names: c.-376-3950G>T (NM_001292004.2); c.118G>T (NM_000521.3); short protein forms A40S.
Identifiers: ClinVar variation 2142879 (VCV002142879.4), dbSNP rs767311937, ClinGen allele CA3305737.

ClinVar aggregate classification (germline): Uncertain significance. Review status: criteria provided, multiple submitters, no conflicts (2 of 4 stars). 2 submissions from 2 submitters: Uncertain significance (2). Last evaluated 2025-02-25.

Conditions:
Inborn genetic diseases. Identifiers: MedGen C0950123, MeSH D030342.
Sandhoff disease. Also called: Beta-hexosaminidase-beta-subunit deficiency; GM2 gangliosidosis, type 2; Total hexosaminidase deficiency; Sandhoff-Jatzkewitz-Pilz disease; GM2-GANGLIOSIDOSIS, TYPE II; HEXOSAMINIDASES A AND B DEFICIENCY. Identifiers: Orphanet 796, MedGen C0036161, MONDO:0010006, OMIM 268800.

Allele frequency attached by ClinVar (database versions not stated): gnomAD exomes below 0.00001; TOPMed below 0.00001.
gnomAD v4.1: 4 of 1,590,246 alleles (0.00025%); highest among the groups gnomAD compares: South Asian, 0.0011%; no homozygotes.

Submissions (2):

Ambry Genetics
Classification: Uncertain significance for Inborn genetic diseases. Last evaluated: 2025-02-25. Review status: criteria provided, single submitter. Criteria: Ambry Variant Classification Scheme 2023. Collection method: clinical testing. Allele origin: germline.

Labcorp Genetics (formerly Invitae), Labcorp
Classification: Uncertain significance for Sandhoff disease. Last evaluated: 2023-08-04. Review status: criteria provided, single submitter. Criteria: Invitae Variant Classification Sherloc (09022015). Collection method: clinical testing. Allele origin: germline.
Comment: This sequence change replaces alanine, which is neutral and non-polar, with serine, which is neutral and polar, at codon 40 of the HEXB protein (p.Ala40Ser). This variant is not present in population databases (gnomAD no frequency). This variant has not been reported in the literature in individuals affected with HEXB-related conditions. ClinVar contains an entry for this variant (Variation ID: 2142879). Advanced modeling of protein sequence and biophysical properties (such as structural, functional, and spatial information, amino acid conservation, physicochemical variation, residue mobility, and thermodynamic stability) performed at Invitae indicates that this missense variant is not expected to disrupt HEXB protein function. In summary, the available evidence is currently insufficient to determine the role of this variant in disease. Therefore, it has been classified as a Variant of Uncertain Significance.